The following is an entry in ClinVar:

NM_004100.5(EYA4):c.1735A>G (p.Ile579Val)

Genes: EYA4 (EYA transcriptional coactivator and phosphatase 4; plus strand), TARID (TCF21 antisense RNA inducing promoter demethylation; minus strand). Cytogenetic location: 6q23.2.
Variant type: single nucleotide variant.
Coding change: c.1735A>G on transcript NM_004100.5 (MANE Select); coding-DNA position 1735, A replaced by G.
Protein change: p.Ile579Val; replaces isoleucine 579 with valine.
Molecular consequence: missense variant.
Genome position (GRCh38, 1-based): chr6:133,523,174, A>G. VCF-style: chr6-133523174-A-G. GRCh37 (hg19) VCF-style: chr6-133844312-A-G.
Other names: c.1573A>G, p.Ile525Val (NM_001301012.2); c.1753A>G, p.Ile585Val (NM_001301013.2); c.1666A>G, p.Ile556Val (NM_001370458.1, NM_172103.4); c.1591A>G, p.Ile531Val (NM_001370459.1); c.1735A>G, p.Ile579Val (NM_172105.4); short protein forms I525V, I531V, I556V, I579V, I585V.
Identifiers: ClinVar variation 3223694 (VCV003223694.1), dbSNP rs766579366, ClinGen allele CA4008433.

ClinVar aggregate classification (germline): Uncertain significance (1 of 4 stars; one submission).

Conditions:
Cardiovascular phenotype. Identifiers: MedGen CN230736.

Allele frequency attached by ClinVar (database versions not stated): gnomAD exomes below 0.00001; gnomAD 0.00001; ExAC 0.00002.
gnomAD v4.1: 6 of 1,612,096 alleles (0.00037%); highest among the groups gnomAD compares: Non-Finnish European, 0.00034%; no homozygotes.

Submission:

Ambry Genetics
Classification: Uncertain significance for Cardiovascular phenotype. Last evaluated: 2023-11-30. Review status: criteria provided, single submitter. Criteria: Ambry Variant Classification Scheme 2023. Collection method: clinical testing. Allele origin: germline.
Comment: The p.I579V variant (also known as c.1735A>G), located in coding exon 17 of the EYA4 gene, results from an A to G substitution at nucleotide position 1735. The isoleucine at codon 579 is replaced by valine, an amino acid with highly similar properties. This amino acid position is highly conserved in available vertebrate species. In addition, the in silico prediction for this alteration is inconclusive. Since supporting evidence is limited at this time, the clinical significance of this alteration remains unclear.